The following is an entry in ClinVar:

ClinVar aggregate classification (germline): Pathogenic. Review status: criteria provided, multiple submitters, no conflicts (2 of 4 stars). 3 submissions from 3 submitters: Pathogenic (2). 1 of the submissions does not count toward it. Last evaluated 2025-04-16.

Conditions:
Marshall-Smith syndrome (MRSHSS). Identifiers: Orphanet 561, MedGen C0265211, MONDO:0011244, OMIM 602535.
Malan overgrowth syndrome (MALNS). Also called: Sotos syndrome 2; MALAN SYNDROME; NFIX-Related Malan Syndrome. Identifiers: Orphanet 420179, MedGen C3553660, MONDO:0013885, OMIM 614753.

Submissions (3):

GeneDx
Classification: Pathogenic. Last evaluated: 2025-04-16. Review status: criteria provided, single submitter. Criteria: GeneDx Variant Classification Process June 2021. Collection method: clinical testing. Allele origin: germline. Affected: yes.
Comment: Nonsense variant predicted to result in protein truncation or nonsense mediated decay in a gene for which loss of function is a known mechanism of disease; Not observed at significant frequency in large population cohorts (gnomAD); This variant is associated with the following publications: (PMID: 25525159, 29897170, 20673863, 38438125)

Mendelics
Classification: Pathogenic for Marshall-Smith syndrome. Last evaluated: 2019-05-28. Review status: criteria provided, single submitter. Criteria: Mendelics Assertion Criteria 2017. Collection method: clinical testing. Allele origin: unknown.

OMIM
Classification: Pathogenic for MALAN SYNDROME. Last evaluated: 2010-08-13. Review status: no assertion criteria provided. Collection method: literature only. Allele origin: germline. Not counted in ClinVar's aggregate classification.

Literature cited by the submitters: PubMed 20673863 (cited by OMIM).

NM_001365902.3(NFIX):c.568C>T (p.Gln190Ter)

Gene: NFIX (nuclear factor I X; plus strand). Cytogenetic location: 19p13.13.
Variant type: single nucleotide variant.
Coding change: c.568C>T on transcript NM_001365902.3 (MANE Select); coding-DNA position 568, C replaced by T.
Protein change: p.Gln190Ter; replaces glutamine 190 with a stop codon.
Molecular consequence: nonsense.
Genome position (GRCh38, 1-based): chr19:13,073,055, C>T. VCF-style: chr19-13073055-C-T. GRCh37 (hg19) VCF-style: chr19-13183869-C-T.
Other names: c.592C>T, p.Gln198Ter (NM_001271043.2); c.544C>T, p.Gln182Ter (NM_001271044.3, NM_001378404.1); c.568C>T, p.Gln190Ter (NM_001365982.2, NM_002501.4); c.427C>T, p.Gln143Ter (NM_001365983.2); c.565C>T, p.Gln189Ter (NM_001365984.2, NM_001365985.2); c.616C>T, p.Gln206Ter (NM_001378405.1); short protein forms Q190*, Q143*, Q189*, Q198*, Q182*, Q206*.
Identifiers: ClinVar variation 36956 (VCV000036956.6), dbSNP rs387907253, ClinGen allele CA129994.
Genomic context (GRCh38, chr19:13,073,055, plus strand): 5'-CTTATGGGGAACTTTGCTCCTGATACATTCTCCCCTTTTGTGTCTCCTGCAGAATCCGGA[C>T]AATCAGATAGTTCAAACCAGCAAGGAGATGCGGACATCAAACCACTGCCCAACGGTCAGT-3'